The following is an entry in ClinVar:

NM_006015.6(ARID1A):c.1015del (p.Ala339fs)

Genes: ARID1A (AT-rich interaction domain 1A; plus strand), LOC129929837 (ATAC-STARR-seq lymphoblastoid silent region 489; plus strand). Cytogenetic location: 1p36.11.
Variant type: Deletion.
Coding change: c.1015del on transcript NM_006015.6 (MANE Select); coding-DNA position 1015, one base deleted (G; older notation c.1015delG).
Protein change: p.Ala339fs; shifts the reading frame from alanine 339.
Molecular consequence: frameshift variant.
Genome position (GRCh38, 1-based): chr1:26,697,418, G deleted; the last of 6 consecutive G bases (chr1:26,697,413-26,697,418); deleting any one gives the same sequence. VCF-style (leftmost placement, unchanged base first): chr1-26697412-TG-T. GRCh37 (hg19) VCF-style: chr1-27023903-TG-T.
Other names: c.1015delG (NM_006015.6); c.1015delG, p.Ala339Leufs (NM_006015.4); c.1015del, p.Ala339fs (NM_139135.4); short protein forms A339fs.
Identifiers: ClinVar variation 2442347 (VCV002442347.3), dbSNP rs1232964733, ClinGen allele CA416989974.

ClinVar aggregate classification (germline): Pathogenic. Review status: criteria provided, multiple submitters, no conflicts (2 of 4 stars). 2 submissions from 2 submitters: Pathogenic (2). Last evaluated 2022-06-16.
ClinVar aggregate classification (oncogenicity): Oncogenic (1 of 4 stars; one submission).

Conditions:
Intellectual disability, autosomal dominant 14 (CSS2). Also called: COFFIN-SIRIS SYNDROME 2. Identifiers: Orphanet 1465, MedGen C3553247, MONDO:0013819, OMIM 614607.
Neoplasm. Also called: tumor; Neoplasms; Neoplasm (disease). Identifiers: MedGen C0027651, MeSH D009369, MONDO:0005070, HP:0002664.

Submissions (3):

Center for Genomic Medicine, Rigshospitalet, Copenhagen University Hospital
Classification: Oncogenic for Neoplasm. Last evaluated: 2025-12-29. Review status: criteria provided, single submitter. Criteria: ClinGen/CGC/VICC Guidelines for Oncogenicity, 2022. Collection method: clinical testing. Allele origin: somatic. Affected: yes.

New York Genome Center
Classification: Pathogenic for Intellectual disability, autosomal dominant 14. Last evaluated: 2022-06-16. Review status: criteria provided, single submitter. Criteria: NYGC Assertion Criteria 2020. Collection method: clinical testing. Allele origin: de novo. Affected: yes. Observed: 1 heterozygote. Study: PrenatalSEQ.
Comment: The de novo one nucleotide deletion [c.1015del p.(Ala339LeufsTer24)] identified in exon 1 (of 20) of the ARID1A gene has not been reported in affected individuals in the literature. The variant alters the wild-type translational reading frame and is predicted to cause loss of normal protein function either through protein truncation or nonsense-mediated mRNA decay. The c.1015del variant is absent from population databases (gnomADv2, gnomADv3, TOPMed Freeze 8) suggesting it is not a common benign variant in populations represented in those databases. Based on the available evidence, the de novo c.1015del, p.(Ala339LeufsTer24) variant identified in the ARID1A gene is reported as Pathogenic.

Laboratoire de Génétique Moléculaire, CHU Bordeaux
Classification: Pathogenic for Intellectual disability, autosomal dominant 14. Last evaluated: 2020-01-02. Review status: criteria provided, single submitter. Criteria: ACMG Guidelines, 2015. Collection method: clinical testing. Allele origin: germline. Affected: yes.

Literature cited by the submitters: PubMed 23097632 (cited by Center for Genomic Medicine, Rigshospitalet, Copenhagen University Hospital).